The following is an entry in ClinVar:

NM_000051.4(ATM):c.708_711del (p.Thr237fs)

Gene: ATM (ATM serine/threonine kinase; plus strand). Cytogenetic location: 11q22.3.
Variant type: Deletion.
Coding change: c.708_711del on transcript NM_000051.4 (MANE Select); coding-DNA positions 708 to 711, 4 bases deleted (TACT; older notation c.708_711delTACT).
Protein change: p.Thr237fs; shifts the reading frame from threonine 237.
Molecular consequence: frameshift variant.
Genome position (GRCh38, 1-based): chr11:108,244,833-108,244,836, TACT deleted; deleting any 4 consecutive bases within chr11:108,244,831-108,244,836 gives the same sequence; the c. name uses the placement nearest the transcript's 3' end. VCF-style (leftmost placement, unchanged base first): chr11-108244830-TCTTA-T. GRCh37 (hg19) VCF-style: chr11-108115557-TCTTA-T.
Other names: c.708_711del, p.Thr237fs (NM_001351834.2); short protein forms T237fs.
Identifiers: ClinVar variation 4713361 (VCV004713361.1).

ClinVar aggregate classification (germline): Pathogenic (1 of 4 stars; one submission).

Conditions:
Ataxia-telangiectasia syndrome (AT). Also called: AT, COMPLEMENTATION GROUP C; Ataxia-telangiectasia, complementation group D; Cerebello-oculocutaneous telangiectasia; Immunodeficiency with ataxia telangiectasia; LOUIS-BAR SYNDROME; Ataxia telangiectasia (A-T). Identifiers: Orphanet 100, MedGen C0004135, MONDO:0008840, OMIM 208900.

Submission:

Labcorp Genetics (formerly Invitae), Labcorp
Classification: Pathogenic for Ataxia-telangiectasia syndrome. Last evaluated: 2025-02-18. Review status: criteria provided, single submitter. Criteria: Invitae Variant Classification Sherloc (09022015). Collection method: clinical testing. Allele origin: germline.
Comment: This sequence change creates a premature translational stop signal (p.Thr237Serfs*17) in the ATM gene. It is expected to result in an absent or disrupted protein product. Loss-of-function variants in ATM are known to be pathogenic (PMID: 23807571, 25614872). This variant is not present in population databases (gnomAD no frequency). This variant has not been reported in the literature in individuals affected with ATM-related conditions. For these reasons, this variant has been classified as Pathogenic.

Literature cited by the submitters: PubMed 23807571; PubMed 25614872.